The following is an entry in ClinVar:

NM_014324.6(AMACR):c.37G>C (p.Gly13Arg)

Genes: AMACR (alpha-methylacyl-CoA racemase; minus strand), C1QTNF3-AMACR (C1QTNF3-AMACR readthrough (NMD candidate); minus strand). Cytogenetic location: 5p13.2.
Variant type: single nucleotide variant.
Coding change: c.37G>C on transcript NM_014324.6 (MANE Select); coding-DNA position 37, G replaced by C.
Protein change: p.Gly13Arg; replaces glycine 13 with arginine.
Molecular consequence: missense variant.
Genome position (GRCh38, 1-based): chr5:34,007,983, C>G on the plus strand (G>C on the coding strand, the complement: AMACR is on the minus strand). VCF-style: chr5-34007983-C-G. GRCh37 (hg19) VCF-style: chr5-34008088-C-G.
Other names: c.37G>C, p.Gly13Arg (NM_001167595.2, NM_203382.3); short protein forms G13R.
Identifiers: ClinVar variation 2193469 (VCV002193469.4), dbSNP rs534080503, ClinGen allele CA3226307.
Genomic context (GRCh38, chr5:34,007,983, plus strand): 5'-GTACCACACGCGCCCCGAAGTCAGCCAGGACCATAGCACAGAACGGGCCCGGGGCCAGGC[C>G]GGACAGCTCCACGACCGAGATGCCCTGCAGTGCCATGGCGCTTCCCAGTGCCCCGCTGAA-3'
Protein context (NP_055139.4, residues 3-23): LQGISVVELS[Gly13Arg]LAPGPFCAMV

ClinVar aggregate classification (germline): Uncertain significance (1 of 4 stars; one submission).

Conditions:
Alpha-methylacyl-CoA racemase deficiency (AMACRD). Also called: AMACR deficiency. Identifiers: Orphanet 79095, MedGen C3280428, MONDO:0013681, OMIM 614307. Disease mechanism: loss of function.

gnomAD v4.1: 36 of 1,611,546 alleles (0.0022%); highest among the groups gnomAD compares: Non-Finnish European, 0.0014%; no homozygotes.

Submission:

Labcorp Genetics (formerly Invitae), Labcorp
Classification: Uncertain significance for Alpha-methylacyl-CoA racemase deficiency. Last evaluated: 2022-04-04. Review status: criteria provided, single submitter. Criteria: Invitae Variant Classification Sherloc (09022015). Collection method: clinical testing. Allele origin: germline.
Comment: In summary, the available evidence is currently insufficient to determine the role of this variant in disease. Therefore, it has been classified as a Variant of Uncertain Significance. This sequence change replaces glycine, which is neutral and non-polar, with arginine, which is basic and polar, at codon 13 of the AMACR protein (p.Gly13Arg). This variant is present in population databases (rs534080503, gnomAD 0.02%). This variant has not been reported in the literature in individuals affected with AMACR-related conditions. Algorithms developed to predict the effect of missense changes on protein structure and function (SIFT, PolyPhen-2, Align-GVGD) all suggest that this variant is likely to be disruptive.